The following is an entry in ClinVar:

ClinVar aggregate classification (germline): Uncertain significance (1 of 4 stars; one submission).

Conditions:
Congenital myasthenic syndrome 13 (CMS13). Also called: Myasthenic syndrome, congenital, with tubular aggregates 2; Myasthenic syndrome, congenital, 13, with tubular aggregates. Identifiers: Orphanet 353327, Orphanet 590, MedGen C3553645, MONDO:0013883, OMIM 614750.
DPAGT1-congenital disorder of glycosylation. Also called: CONGENITAL DISORDER OF GLYCOSYLATION, TYPE Ij; CDG Ij; DPAGT1-CDG. Identifiers: Orphanet 86309, MedGen C2931004, MONDO:0011964, OMIM 608093.

Submission:

Labcorp Genetics (formerly Invitae), Labcorp
Classification: Uncertain significance for Congenital myasthenic syndrome 13; DPAGT1-congenital disorder of glycosylation. Last evaluated: 2022-07-11. Review status: criteria provided, single submitter. Criteria: Invitae Variant Classification Sherloc (09022015). Collection method: clinical testing. Allele origin: germline.
Comment: This variant is not present in population databases (gnomAD no frequency). This sequence change replaces valine, which is neutral and non-polar, with alanine, which is neutral and non-polar, at codon 26 of the DPAGT1 protein (p.Val26Ala). This variant has not been reported in the literature in individuals affected with DPAGT1-related conditions. Algorithms developed to predict the effect of missense changes on protein structure and function (SIFT, PolyPhen-2, Align-GVGD) all suggest that this variant is likely to be tolerated. In summary, the available evidence is currently insufficient to determine the role of this variant in disease. Therefore, it has been classified as a Variant of Uncertain Significance.

NM_001382.4(DPAGT1):c.77T>C (p.Val26Ala)

Genes: DPAGT1 (dolichyl-phosphate N-acetylglucosaminephosphotransferase 1; minus strand), LOC126861360 (BRD4-independent group 4 enhancer GRCh37_chr11:118972216-118973415; plus strand). Cytogenetic location: 11q23.3.
Variant type: single nucleotide variant.
Coding change: c.77T>C on transcript NM_001382.4 (MANE Select); coding-DNA position 77, T replaced by C.
Protein change: p.Val26Ala; replaces valine 26 with alanine.
Molecular consequence: missense variant.
Genome position (GRCh38, 1-based): chr11:119,101,579, A>G on the plus strand (T>C on the coding strand, the complement: DPAGT1 is on the minus strand). VCF-style: chr11-119101579-A-G. GRCh37 (hg19) VCF-style: chr11-118972289-A-G.
Other names: short protein forms V26A.
Identifiers: ClinVar variation 2016004 (VCV002016004.4), dbSNP rs2497529461, ClinGen allele CA382916973.